The following is an entry in ClinVar:

ClinVar aggregate classification (germline): Pathogenic (1 of 4 stars; one submission).

Conditions:
Meckel-Gruber syndrome. Also called: DYSENCEPHALIA SPLANCHNOCYSTICA; GRUBER SYNDROME; Dysencephalia splachnocystica. Identifiers: Orphanet 564, MedGen C0265215, MONDO:0018921.
Joubert syndrome. Also called: CEREBELLOPARENCHYMAL DISORDER IV; JOUBERT-BOLTSHAUSER SYNDROME; Familial aplasia of the vermis. Identifiers: Orphanet 475, MedGen C5979921, MONDO:0018772.

Submission:

Labcorp Genetics (formerly Invitae), Labcorp
Classification: Pathogenic for Joubert syndrome; Meckel-Gruber syndrome. Last evaluated: 2019-05-08. Review status: criteria provided, single submitter. Criteria: Invitae Variant Classification Sherloc (09022015). Collection method: clinical testing. Allele origin: germline.
Comment: A gross deletion of the genomic region encompassing the full coding sequence of the CC2D2A gene has been identified. The boundaries of this event are unknown as the deletion extends beyond the assayed region for this gene and therefore may encompass additional genes. This variant has not been reported in the literature in individuals with CC2D2A-related conditions. Loss-of-function variants in CC2D2A are known to be pathogenic (PMID: 19777577). For these reasons, this variant has been classified as Pathogenic.

NC_000004.11:g.(?_15477537)_(15603068_?)del

Gene: CC2D2A (coiled-coil and C2 domain containing 2A; plus strand). Cytogenetic location: 4p15.32.
Variant type: Deletion.
Identifiers: ClinVar variation 832901 (VCV000832901.1).